The following is an entry in ClinVar:

ClinVar aggregate classification (germline): other (0 of 4 stars; one submission).

Conditions:
Malignant tumor of urinary bladder. Also called: Urinary bladder cancer; Urinary Bladder Neoplasms; Bladder cancer. Identifiers: MedGen C0005684, MONDO:0001187, OMIM 109800.

Allele frequency attached by ClinVar (database versions not stated): TOPMed below 0.00001.

Submission:

Gray Institute for Radiation Oncology & Biology, University of Oxford
Classification: other. Review status: no assertion criteria provided. Collection method: not provided. Allele origin: germline.
Comment: Detected by next-generation sequencing & confirmed by Sanger sequencing

NM_005591.4(MRE11):c.20+821G>A

Gene: MRE11 (MRE11 double strand break repair nuclease; minus strand). Cytogenetic location: 11q21.
Variant type: single nucleotide variant.
Coding change: c.20+821G>A on transcript NM_005591.4 (MANE Select); 821 bases into the intron after coding-DNA position 20, G replaced by A.
Molecular consequence: intron variant.
Genome position (GRCh38, 1-based): chr11:94,491,961, C>T on the plus strand (G>A on the coding strand, the complement: MRE11 is on the minus strand). VCF-style: chr11-94491961-C-T. GRCh37 (hg19) VCF-style: chr11-94225127-C-T.
Other names: c.20+821G>A (NM_001330347.2, NM_005590.4).
Identifiers: ClinVar variation 60658 (VCV000060658.1), dbSNP rs397509351, ClinGen allele CA144599.